The following is an entry in ClinVar:

NM_001256007.3(PNPLA8):c.47A>G (p.Asn16Ser)

Gene: PNPLA8 (patatin like domain 8, phospholipase A2; minus strand). Cytogenetic location: 7q31.1.
Variant type: single nucleotide variant.
Coding change: c.47A>G on transcript NM_001256007.3 (MANE Select); coding-DNA position 47, A replaced by G.
Protein change: p.Asn16Ser; replaces asparagine 16 with serine.
Molecular consequence: missense variant. On other transcripts: 5 prime UTR variant (2).
Genome position (GRCh38, 1-based): chr7:108,515,445, T>C on the plus strand (A>G on the coding strand, the complement: PNPLA8 is on the minus strand). VCF-style: chr7-108515445-T-C. GRCh37 (hg19) VCF-style: chr7-108155889-T-C.
Other names: c.47A>G, p.Asn16Ser (NM_001256008.3, NM_001256009.3, NM_015723.5); c.-254A>G (NM_001256010.3, NM_001256011.3); short protein forms N16S.
Identifiers: ClinVar variation 4083177 (VCV004083177.1).

ClinVar aggregate classification (germline): Uncertain significance (1 of 4 stars; one submission).

gnomAD v4.1: 13 of 1,594,060 alleles (0.00082%); highest among the groups gnomAD compares: Non-Finnish European, 0.001%; no homozygotes.

Submission:

GeneDx
Classification: Uncertain significance. Last evaluated: 2025-03-15. Review status: criteria provided, single submitter. Criteria: GeneDx Variant Classification Process June 2021. Collection method: clinical testing. Allele origin: germline. Affected: yes.
Comment: Not observed at significant frequency in large population cohorts (gnomAD); In silico analysis supports that this missense variant has a deleterious effect on protein structure/function; Has not been previously published as pathogenic or benign to our knowledge